The following is an entry in ClinVar:

ClinVar aggregate classification (germline): Uncertain significance (1 of 4 stars; one submission).

Conditions:
Generalized epilepsy with febrile seizures plus, type 7 (GEFSP7). Also called: GEFS+, TYPE 7. Identifiers: Orphanet 36387, MedGen C2751778, MONDO:0013470, OMIM 613863.
Neuropathy, hereditary sensory and autonomic, type 2A (HSAN2A). Also called: HSAN IIA; WNK1-Related HSAN2 (HSAN2A); MORVAN DISEASE; NEUROPATHY, CONGENITAL SENSORY; NEUROPATHY, HEREDITARY SENSORY RADICULAR, AUTOSOMAL RECESSIVE; NEUROPATHY, HEREDITARY SENSORY, TYPE IIA. Identifiers: Orphanet 970, MedGen C2752089, MONDO:0024309, OMIM 201300.

Allele frequency attached by ClinVar (database versions not stated): TOPMed below 0.00001.

Submission:

Labcorp Genetics (formerly Invitae), Labcorp
Classification: Uncertain significance for Neuropathy, hereditary sensory and autonomic, type 2A; Generalized epilepsy with febrile seizures plus, type 7. Last evaluated: 2025-04-08. Review status: criteria provided, single submitter. Criteria: Invitae Variant Classification Sherloc (09022015). Collection method: clinical testing. Allele origin: germline.
Comment: This sequence change replaces glycine, which is neutral and non-polar, with alanine, which is neutral and non-polar, at codon 375 of the SCN9A protein (p.Gly375Ala). This variant is not present in population databases (gnomAD no frequency). This variant has not been reported in the literature in individuals affected with SCN9A-related conditions. ClinVar contains an entry for this variant (Variation ID: 662168). Invitae Evidence Modeling of protein sequence and biophysical properties (such as structural, functional, and spatial information, amino acid conservation, physicochemical variation, residue mobility, and thermodynamic stability) has been performed for this missense variant. However, the output from this modeling did not meet the statistical confidence thresholds required to predict the impact of this variant on SCN9A protein function. In summary, the available evidence is currently insufficient to determine the role of this variant in disease. Therefore, it has been classified as a Variant of Uncertain Significance.

NM_001365536.1(SCN9A):c.1124G>C (p.Gly375Ala)

Genes: SCN1A-AS1 (SCN1A and SCN9A antisense RNA 1; plus strand), SCN9A (sodium voltage-gated channel alpha subunit 9; minus strand). Cytogenetic location: 2q24.3.
Variant type: single nucleotide variant.
Coding change: c.1124G>C on transcript NM_001365536.1 (MANE Select); coding-DNA position 1124, G replaced by C.
Protein change: p.Gly375Ala; replaces glycine 375 with alanine.
Molecular consequence: missense variant.
Genome position (GRCh38, 1-based): chr2:166,288,627, C>G on the plus strand (G>C on the coding strand, the complement: SCN9A is on the minus strand). VCF-style: chr2-166288627-C-G. GRCh37 (hg19) VCF-style: chr2-167145137-C-G.
Other names: c.1124G>C, p.Gly375Ala (NM_002977.4); short protein forms G375A.
Identifiers: ClinVar variation 662168 (VCV000662168.9), dbSNP rs1574873162, ClinGen allele CA349086197.